The following is an entry in ClinVar:

ClinVar aggregate classification (germline): Uncertain significance. Review status: criteria provided, multiple submitters, no conflicts (2 of 4 stars). 2 submissions from 2 submitters: Uncertain significance (2). Last evaluated 2023-12-13.

Conditions:
Cardiovascular phenotype. Identifiers: MedGen CN230736.

Allele frequency attached by ClinVar (database versions not stated): TOPMed below 0.00001.

Submissions (2):

Labcorp Genetics (formerly Invitae), Labcorp
Classification: Uncertain significance. Last evaluated: 2023-12-13. Review status: criteria provided, single submitter. Criteria: Invitae Variant Classification Sherloc (09022015). Collection method: clinical testing. Allele origin: germline.
Comment: This sequence change replaces proline, which is neutral and non-polar, with leucine, which is neutral and non-polar, at codon 1346 of the ALPK3 protein (p.Pro1346Leu). This variant is not present in population databases (gnomAD no frequency). This variant has not been reported in the literature in individuals affected with ALPK3-related conditions. ClinVar contains an entry for this variant (Variation ID: 2331896). Algorithms developed to predict the effect of missense changes on protein structure and function output the following: SIFT: "Not Available"; PolyPhen-2: "Benign"; Align-GVGD: "Not Available". The leucine amino acid residue is found in multiple mammalian species, which suggests that this missense change does not adversely affect protein function. In summary, the available evidence is currently insufficient to determine the role of this variant in disease. Therefore, it has been classified as a Variant of Uncertain Significance.

Ambry Genetics
Classification: Uncertain significance for Cardiovascular phenotype. Last evaluated: 2022-12-02. Review status: criteria provided, single submitter. Criteria: Ambry Variant Classification Scheme 2023. Collection method: clinical testing. Allele origin: germline.

NM_020778.5(ALPK3):c.3431C>T (p.Pro1144Leu)

Gene: ALPK3 (alpha kinase 3; plus strand). Cytogenetic location: 15q25.3.
Variant type: single nucleotide variant.
Coding change: c.3431C>T on transcript NM_020778.5 (MANE Select); coding-DNA position 3431, C replaced by T.
Protein change: p.Pro1144Leu; replaces proline 1144 with leucine.
Molecular consequence: missense variant.
Genome position (GRCh38, 1-based): chr15:84,858,169, C>T. VCF-style: chr15-84858169-C-T. GRCh37 (hg19) VCF-style: chr15-85401400-C-T.
Other names: short protein forms P1144L.
Identifiers: ClinVar variation 2331896 (VCV002331896.5), dbSNP rs1167323857, ClinGen allele CA393360262.
Genomic context (GRCh38, chr15:84,858,169, plus strand): 5'-CTGGACAGGGGCCCTCAGCAGAGAGCATAGCCCAGGAGCCCTCCCAAGAGGAGAAGTTCC[C>T]AGGGGAGGCTCTGACAGGTCTCCCGGCAGCTACACCTGAGGAACTGGCTCTAGGGGCCCG-3'
Protein context (NP_065829.4, residues 1134-1154): AQEPSQEEKF[Pro1144Leu]GEALTGLPAA